The following is an entry in ClinVar:

NM_181703.4(GJA5):c.397C>G (p.Leu133Val)

Gene: GJA5 (gap junction protein alpha 5; minus strand). Cytogenetic location: 1q21.2.
Variant type: single nucleotide variant.
Coding change: c.397C>G on transcript NM_181703.4 (MANE Select); coding-DNA position 397, C replaced by G.
Protein change: p.Leu133Val; replaces leucine 133 with valine.
Molecular consequence: missense variant.
Genome position (GRCh38, 1-based): chr1:147,758,842, G>C on the plus strand (C>G on the coding strand, the complement: GJA5 is on the minus strand). VCF-style: chr1-147758842-G-C. GRCh37 (hg19) VCF-style: chr1-147230950-G-C.
Other names: c.397C>G, p.Leu133Val (NM_005266.7); short protein forms L133V.
Identifiers: ClinVar variation 3371973 (VCV003371973.3).
Genomic context (GRCh38, chr1:147,758,842, plus strand): 5'-AGGTGTTGAGCAGAGTGCCCTGGAGGGCAATCCTTCCATTCCCTTCCTCCCAGCAGGACA[G>C]TTCTGCCTTCTCTGCCACCGGGTACTCGTAAGAGCCAGAGCCCCGGACCTCTTTGGCCCT-3'
Protein context (NP_859054.1, residues 123-143): YEYPVAEKAE[Leu133Val]SCWEEGNGRI

ClinVar aggregate classification (germline): Uncertain significance. Review status: criteria provided, multiple submitters, no conflicts (2 of 4 stars). 2 submissions from 2 submitters: Uncertain significance (2). Last evaluated 2024-05-13.

Conditions:
Atrial fibrillation, familial, 11 (ATFB11). Identifiers: MedGen C3279693, MONDO:0013544, OMIM 614049.
Atrial standstill 1 (ATRST1). Also called: ATRIAL CARDIOMYOPATHY WITH HEART BLOCK; CARDIOMYOPATHY, FAMILIAL, WITH CONDUCTION DISTURBANCE; Atrial standstill, digenic (GJA5/SCN5A). Identifiers: Orphanet 1344, MedGen C4551959, MONDO:0007171, OMIM 108770.

gnomAD v4.1: 1 of 1,614,240 alleles (0.000062%); highest among the groups gnomAD compares: Non-Finnish European, 0.000085%; no homozygotes.

Submissions (2):

Labcorp Genetics (formerly Invitae), Labcorp
Classification: Uncertain significance for Atrial fibrillation, familial, 11; Atrial standstill 1. Last evaluated: 2024-05-13. Review status: criteria provided, single submitter. Criteria: Invitae Variant Classification Sherloc (09022015). Collection method: clinical testing. Allele origin: germline.
Comment: This sequence change replaces leucine, which is neutral and non-polar, with valine, which is neutral and non-polar, at codon 133 of the GJA5 protein (p.Leu133Val). This variant is not present in population databases (gnomAD no frequency). This variant has not been reported in the literature in individuals affected with GJA5-related conditions. Advanced modeling of protein sequence and biophysical properties (such as structural, functional, and spatial information, amino acid conservation, physicochemical variation, residue mobility, and thermodynamic stability) performed at Invitae indicates that this missense variant is not expected to disrupt GJA5 protein function with a negative predictive value of 80%. In summary, the available evidence is currently insufficient to determine the role of this variant in disease. Therefore, it has been classified as a Variant of Uncertain Significance.

GeneDx
Classification: Uncertain significance. Last evaluated: 2024-04-04. Review status: criteria provided, single submitter. Criteria: GeneDx Variant Classification Process June 2021. Collection method: clinical testing. Allele origin: germline. Affected: yes.
Comment: Not observed at significant frequency in large population cohorts (gnomAD); In silico analysis indicates that this missense variant does not alter protein structure/function; Has not been previously published as pathogenic or benign to our knowledge